The following is an entry in ClinVar:

NM_002432.3(MNDA):c.616G>T (p.Val206Phe)

Gene: MNDA (myeloid cell nuclear differentiation antigen; plus strand). Cytogenetic location: 1q23.1.
Variant type: single nucleotide variant.
Coding change: c.616G>T on transcript NM_002432.3 (MANE Select); coding-DNA position 616, G replaced by T.
Protein change: p.Val206Phe; replaces valine 206 with phenylalanine.
Molecular consequence: missense variant.
Genome position (GRCh38, 1-based): chr1:158,845,632, G>T. VCF-style: chr1-158845632-G-T. GRCh37 (hg19) VCF-style: chr1-158815422-G-T.
Other names: short protein forms V206F.
Identifiers: ClinVar variation 1752001 (VCV001752001.2), dbSNP rs2526087121, ClinGen allele CA343040778.

ClinVar aggregate classification (germline): Uncertain significance (1 of 4 stars; one submission).

Submission:

Ambry Genetics
Classification: Uncertain significance. Last evaluated: 2021-12-10. Review status: criteria provided, single submitter. Criteria: Ambry Variant Classification Scheme 2023. Collection method: clinical testing. Allele origin: germline.
Comment: The p.V206F variant (also known as c.616G>T), located in coding exon 4 of the MNDA gene, results from a G to T substitution at nucleotide position 616. The valine at codon 206 is replaced by phenylalanine, an amino acid with highly similar properties. This amino acid position is conserved. In addition, this alteration is predicted to be tolerated by in silico analysis. Since supporting evidence is limited at this time, the clinical significance of this alteration remains unclear.